The following is an entry in ClinVar:

ClinVar aggregate classification (germline): Uncertain significance (1 of 4 stars; one submission).

Conditions:
Inborn genetic diseases. Identifiers: MedGen C0950123, MeSH D030342.

gnomAD v4.1: 5 of 1,613,962 alleles (0.00031%); highest among the groups gnomAD compares: South Asian, 0.0022%; no homozygotes.

Submission:

Ambry Genetics
Classification: Uncertain significance for Inborn genetic diseases. Last evaluated: 2026-07-28. Review status: criteria provided, single submitter. Criteria: Ambry Variant Classification Scheme 2023. Collection method: clinical testing. Allele origin: germline.
Comment: The c.1256G>A (p.R419Q) alteration is located in exon 11 (coding exon 11) of the DNM1L gene. This alteration results from a G to A substitution at nucleotide position 1256, causing the arginine (R) at amino acid position 419 to be replaced by a glutamine (Q). Based on data from gnomAD, the A allele has an overall frequency of 0.001% (2/251408) total alleles studied. The highest observed frequency was 0.005% (1/18392) of East Asian alleles. Based on insufficient or conflicting evidence, the clinical significance of this alteration remains unclear.

NM_012062.5(DNM1L):c.1256G>A (p.Arg419Gln)

Gene: DNM1L (dynamin 1L; plus strand). Cytogenetic location: 12p11.21.
Variant type: single nucleotide variant.
Coding change: c.1256G>A on transcript NM_012062.5 (MANE Select); coding-DNA position 1256, G replaced by A.
Protein change: p.Arg419Gln; replaces arginine 419 with glutamine.
Molecular consequence: missense variant.
Genome position (GRCh38, 1-based): chr12:32,731,411, G>A. VCF-style: chr12-32731411-G-A. GRCh37 (hg19) VCF-style: chr12-32884345-G-A.
Other names: c.1256G>A, p.Arg419Gln (NM_001278463.2, NM_005690.5, NM_012063.4); c.1295G>A, p.Arg432Gln (NM_001278464.2, NM_001278465.2, NM_001330380.2); c.647G>A, p.Arg216Gln (NM_001278466.2); short protein forms R216Q, R419Q, R432Q.
Identifiers: ClinVar variation 5035488 (VCV005035488.1).
Genomic context (GRCh38, chr12:32,731,411, plus strand): 5'-CTCAGGGTCCTCGTCCTGCTTTATTTGTGCCTGAGGTTTCATTTGAGTTACTGGTGAAGC[G>A]GCAAATCAAACGTCTAGAAGAGCCCAGCCTCCGCTGTGTGGAACTGGTTCATGAGGAAAT-3'
Protein context (NP_036192.2, residues 409-429): PEVSFELLVK[Arg419Gln]QIKRLEEPSL